The following is an entry in ClinVar:

NM_000256.3(MYBPC3):c.378G>T (p.Glu126Asp)

Gene: MYBPC3 (myosin binding protein C3; minus strand). Cytogenetic location: 11p11.2.
Variant type: single nucleotide variant.
Coding change: c.378G>T on transcript NM_000256.3 (MANE Select); coding-DNA position 378, G replaced by T.
Protein change: p.Glu126Asp; replaces glutamic acid 126 with aspartic acid.
Molecular consequence: missense variant.
Genome position (GRCh38, 1-based): chr11:47,350,530, C>A on the plus strand (G>T on the coding strand, the complement: MYBPC3 is on the minus strand). VCF-style: chr11-47350530-C-A. GRCh37 (hg19) VCF-style: chr11-47372081-C-A.
Other names: short protein forms E126D.
Identifiers: ClinVar variation 2773768 (VCV002773768.2), dbSNP rs758903546, ClinGen allele CA380340471.

ClinVar aggregate classification (germline): Uncertain significance (1 of 4 stars; one submission).

Conditions:
Cardiomyopathy (CMYO). Also called: Cardiomyopathies. Identifiers: Orphanet 167848, MedGen C0878544, MONDO:0004994, HP:0001638. Inheritance: Various modes of inheritance.

Allele frequency attached by ClinVar (database versions not stated): TOPMed below 0.00001.
gnomAD v4.1: 2 of 1,558,998 alleles (0.00013%); no homozygotes.

Submission:

Color Diagnostics, LLC DBA Color Health
Classification: Uncertain significance for Cardiomyopathy. Last evaluated: 2023-10-02. Review status: criteria provided, single submitter. Criteria: ACMG Guidelines, 2015. Collection method: clinical testing. Allele origin: germline.
Comment: This missense variant replaces glutamic acid with aspartic acid at codon 126 of the MYBPC3 protein. Computational prediction suggests that this variant may not impact protein structure and function (internally defined REVEL score threshold <= 0.5, PMID: 27666373). To our knowledge, functional studies have not been reported for this variant. This variant has not been reported in individuals affected with MYBPC3-related disorders in the literature. This variant has not been identified in the general population by the Genome Aggregation Database (gnomAD). The available evidence is insufficient to determine the role of this variant in disease conclusively. Therefore, this variant is classified as a Variant of Uncertain Significance.